The following is an entry in ClinVar:

ClinVar aggregate classification (germline): Uncertain significance. Review status: criteria provided, multiple submitters, no conflicts (2 of 4 stars). 2 submissions from 2 submitters: Uncertain significance (2). Last evaluated 2025-11-05.

Allele frequency attached by ClinVar (database versions not stated): gnomAD exomes 0.00004; gnomAD 0.00002; TOPMed 0.00004.
gnomAD v4.1: 14 of 1,480,634 alleles (0.00095%); highest among the groups gnomAD compares: Admixed American, 0.019%; no homozygotes.

Submissions (2):

Ambry Genetics
Classification: Uncertain significance. Last evaluated: 2025-11-05. Review status: criteria provided, single submitter. Criteria: Ambry Variant Classification Scheme 2023. Collection method: clinical testing. Allele origin: germline.

Labcorp Genetics (formerly Invitae), Labcorp
Classification: Uncertain significance. Last evaluated: 2022-10-19. Review status: criteria provided, single submitter. Criteria: Invitae Variant Classification Sherloc (09022015). Collection method: clinical testing. Allele origin: germline.
Comment: In summary, the available evidence is currently insufficient to determine the role of this variant in disease. Therefore, it has been classified as a Variant of Uncertain Significance. Algorithms developed to predict the effect of missense changes on protein structure and function output the following: SIFT: "Deleterious"; PolyPhen-2: "Benign"; Align-GVGD: "Class C0". The glutamic acid amino acid residue is found in multiple mammalian species, which suggests that this missense change does not adversely affect protein function. ClinVar contains an entry for this variant (Variation ID: 1681109). This variant has not been reported in the literature in individuals affected with IMPAD1-related conditions. This variant is present in population databases (rs775038970, gnomAD 0.03%). This sequence change replaces glycine, which is neutral and non-polar, with glutamic acid, which is acidic and polar, at codon 51 of the IMPAD1 protein (p.Gly51Glu).

NM_017813.5(BPNT2):c.152G>A (p.Gly51Glu)

Genes: BPNT2 (3'(2'), 5'-bisphosphate nucleotidase 2; minus strand), LOC130000433 (ATAC-STARR-seq lymphoblastoid silent region 19212; plus strand). Cytogenetic location: 8q12.1.
Variant type: single nucleotide variant.
Coding change: c.152G>A on transcript NM_017813.5 (MANE Select); coding-DNA position 152, G replaced by A.
Protein change: p.Gly51Glu; replaces glycine 51 with glutamic acid.
Molecular consequence: missense variant.
Genome position (GRCh38, 1-based): chr8:56,993,434, C>T on the plus strand (G>A on the coding strand, the complement: BPNT2 is on the minus strand). VCF-style: chr8-56993434-C-T. GRCh37 (hg19) VCF-style: chr8-57905993-C-T.
Other names: c.152G>A (NM_017813.3); short protein forms G51E.
Identifiers: ClinVar variation 1681109 (VCV001681109.5), dbSNP rs775038970, ClinGen allele CA4755998.